The following is an entry in ClinVar:

ClinVar aggregate classification (germline): Pathogenic. Review status: criteria provided, multiple submitters, no conflicts (2 of 4 stars). 4 submissions from 4 submitters: Pathogenic (4). Last evaluated 2024-04-01.

Conditions:
Juvenile polyposis/hereditary hemorrhagic telangiectasia syndrome (JPHT). Also called: JP/HHT SYNDROME; JUVENILE POLYPOSIS WITH HEREDITARY HEMORRHAGIC TELANGIECTASIA; POLYPOSIS, GENERALIZED JUVENILE, WITH PULMONARY ARTERIOVENOUS MALFORMATION; TELANGIECTASIA, HEREDITARY HEMORRHAGIC, WITH JUVENILE POLYPOSIS COLI; Juvenile Polyposis Syndrome / Hereditary Hemorrhagic Telangiectasia (JPS/HHT). Identifiers: Orphanet 2929, MedGen C1832942, MONDO:0008278, OMIM 175050.
Juvenile polyposis syndrome (JPS). Identifiers: Orphanet 2929, MedGen C0345893, MONDO:0017380, OMIM 174900.
Familial thoracic aortic aneurysm and aortic dissection (TAAD). Also called: Thoracic aortic aneurysms and dissections. Identifiers: Orphanet 91387, MedGen C4707243, MONDO:0019625.
Hereditary cancer-predisposing syndrome. Also called: Neoplastic Syndromes, Hereditary; Tumor predisposition; Hereditary neoplastic syndrome; Hereditary Cancer Syndrome. Identifiers: Orphanet 140162, MedGen C0027672, MeSH D009386, MONDO:0015356.

Submissions (4):

ARUP Laboratories, Molecular Genetics and Genomics, ARUP Laboratories
Classification: Pathogenic. Last evaluated: 2024-04-01. Review status: criteria provided, single submitter. Criteria: ARUP Molecular Germline Variant Investigation Process 2024. Collection method: clinical testing. Allele origin: germline.
Comment: The SMAD4 c.699dup; p.Ser234Ter variant, to our knowledge, is not reported in the medical literature but is reported in ClinVar (Variation ID: 2674425). This variant is absent from the Genome Aggregation Database (v2.1.1), indicating it is not a common polymorphism. This variant induces an early termination codon and is predicted to result in a truncated protein or mRNA subject to nonsense-mediated decay. Additionally, several downstream truncating variants have been described in individuals with juvenile polyposis/hereditary hemorrhagic telangiectasia syndrome and are considered pathogenic (Pyatt 2006, Schwenter 2012, Wain 2014). Based on available information, this variant is considered to be pathogenic. References: Pyatt RE et al. Mutation screening in juvenile polyposis syndrome. J Mol Diagn. 2006 Feb;8(1):84-8. PMID: 16436638. Schwenter F et al. Juvenile polyposis, hereditary hemorrhagic telangiectasia, and early onset colorectal cancer in patients with SMAD4 mutation. J Gastroenterol. 2012 Jul;47(7):795-804. PMID: 22331366. Wain KE et al. Appreciating the broad clinical features of SMAD4 mutation carriers: a multicenter chart review. Genet Med. 2014 Aug;16(8):588-93. PMID: 24525918.

Labcorp Genetics (formerly Invitae), Labcorp
Classification: Pathogenic for Juvenile polyposis syndrome. Last evaluated: 2024-02-01. Review status: criteria provided, single submitter. Criteria: Invitae Variant Classification Sherloc (09022015). Collection method: clinical testing. Allele origin: germline.
Comment: This sequence change creates a premature translational stop signal (p.Ser234*) in the SMAD4 gene. It is expected to result in an absent or disrupted protein product. Loss-of-function variants in SMAD4 are known to be pathogenic (PMID: 16152648, 16436638, 22810475). This variant is not present in population databases (gnomAD no frequency). This variant has not been reported in the literature in individuals affected with SMAD4-related conditions. For these reasons, this variant has been classified as Pathogenic.

Ambry Genetics
Classification: Pathogenic for Hereditary cancer-predisposing syndrome; Familial thoracic aortic aneurysm and aortic dissection. Last evaluated: 2023-12-14. Review status: criteria provided, single submitter. Criteria: Ambry Variant Classification Scheme 2023. Collection method: clinical testing. Allele origin: germline.
Comment: The c.699dupT pathogenic mutation, located in coding exon 5 of the SMAD4 gene, results from a duplication of T at nucleotide position 699, causing a translational frameshift with a predicted alternate stop codon (p.S234*). This alteration has been observed in at least one individual with a personal and/or family history that is consistent with SMAD4-related disease (Ambry internal data). This variant is considered to be rare based on population cohorts in the Genome Aggregation Database (gnomAD). In addition to the clinical data presented in the literature, this alteration is expected to result in loss of function by premature protein truncation or nonsense-mediated mRNA decay. As such, this alteration is interpreted as a disease-causing mutation.

Myriad Genetics, Inc.
Classification: Pathogenic for Juvenile polyposis/hereditary hemorrhagic telangiectasia syndrome. Last evaluated: 2023-07-14. Review status: criteria provided, single submitter. Criteria: Myriad Autosomal Dominant, Autosomal Recessive and X-Linked Classification Criteria (2023). Collection method: clinical testing. Allele origin: unknown.
Comment: This variant is considered pathogenic. This variant creates a termination codon and is predicted to result in premature protein truncation.

Literature cited by the submitters: PubMed 16152648 (cited by Labcorp Genetics (formerly Invitae), Labcorp); PubMed 16436638 (cited by Labcorp Genetics (formerly Invitae), Labcorp); PubMed 22810475 (cited by Labcorp Genetics (formerly Invitae), Labcorp).

NM_005359.6(SMAD4):c.699dup (p.Ser234Ter)

Gene: SMAD4 (SMAD family member 4; plus strand). Cytogenetic location: 18q21.2.
Variant type: Duplication.
Coding change: c.699dup on transcript NM_005359.6 (MANE Select); coding-DNA position 699, one base duplicated (T; older notation c.699dupT).
Protein change: p.Ser234Ter; replaces serine 234 with a stop codon.
Molecular consequence: nonsense. On other transcripts: non-coding transcript variant (2).
Genome position (GRCh38, 1-based): chr18:51,058,156, T duplicated. VCF-style (leftmost placement, unchanged base first): chr18-51058155-A-AT. GRCh37 (hg19) VCF-style: chr18-48584525-A-AT.
Other names: c.699dup, p.Ser234Ter (NM_001407041.1, NM_001407042.1, NM_001407043.1); c.699dupT (NM_005359.5); short protein forms S234*.
Identifiers: ClinVar variation 2674425 (VCV002674425.6), dbSNP rs2511376733, ClinGen allele CA2695200410.
Genomic context (GRCh38, chr18:51,058,155, plus strand): 5'-TACCATGTTAATGTCTTCTTGTTCCTCTAGGTCAGCCTGCCAGTATACTGGGGGGCAGCC[A>AT]TAGTGAAGGACTGTTGCAGATAGCATCAGGGCCTCAGCCAGGACAGCAGCAGAATGGATT-3'